The following is an entry in ClinVar:

NM_018109.4(MTPAP):c.1260A>G (p.Thr420=)

Gene: MTPAP (mitochondrial poly(A) polymerase; minus strand). Cytogenetic location: 10p11.23.
Variant type: single nucleotide variant.
Coding change: c.1260A>G on transcript NM_018109.4 (MANE Select); coding-DNA position 1260, A replaced by G.
Protein change: p.Thr420=; no amino-acid change (threonine 420 retained).
Molecular consequence: synonymous variant.
Genome position (GRCh38, 1-based): chr10:30,316,170, T>C on the plus strand (A>G on the coding strand, the complement: MTPAP is on the minus strand). VCF-style: chr10-30316170-T-C. GRCh37 (hg19) VCF-style: chr10-30605099-T-C.
Identifiers: ClinVar variation 518001 (VCV000518001.6), dbSNP rs1390957889, ClinGen allele CA468799687.
Genomic context (GRCh38, chr10:30,316,170, plus strand): 5'-ACACTTACCTAATGTTTCTGTGTTCTGTGAAGGTTTAATTCTACTCAAGTCACGAACAAA[T>C]GTGCAGTTGTTGCCTTCTATTACACATTTATCTTCTGCATCTTAAACACAAACAAAAAAT-3'
Protein context (NP_060579.3, residues 410-430): DKCVIEGNNC[Thr420=]FVRDLSRIKP

ClinVar aggregate classification (germline): Likely benign. Review status: criteria provided, multiple submitters, no conflicts (2 of 4 stars). 3 submissions from 3 submitters: Likely benign (3). Last evaluated 2022-04-12.

Allele frequency attached by ClinVar (database versions not stated): gnomAD exomes below 0.00001; gnomAD 0.00001; TOPMed 0.00001.
gnomAD v4.1: 8 of 1,613,934 alleles (0.0005%); highest among the groups gnomAD compares: Non-Finnish European, 0.00059%; no homozygotes.

Submissions (3):

Labcorp Genetics (formerly Invitae), Labcorp
Classification: Likely benign. Last evaluated: 2022-04-12. Review status: criteria provided, single submitter. Criteria: Invitae Variant Classification Sherloc (09022015). Collection method: clinical testing. Allele origin: germline.

Athena Diagnostics
Classification: Likely benign. Last evaluated: 2021-06-01. Review status: criteria provided, single submitter. Criteria: Athena Diagnostics criteria. Collection method: clinical testing. Allele origin: unknown.

GeneDx
Classification: Likely benign. Last evaluated: 2017-06-29. Review status: criteria provided, single submitter. Criteria: GeneDx Variant Classification (06012015). Collection method: clinical testing. Allele origin: germline. Affected: yes.
Comment: This variant is considered likely benign or benign based on one or more of the following criteria: it is a conservative change, it occurs at a poorly conserved position in the protein, it is predicted to be benign by multiple in silico algorithms, and/or has population frequency not consistent with disease.